The following is an entry in ClinVar:

ClinVar aggregate classification (germline): Uncertain significance (0 of 4 stars; one submission).

Submission:

Leiden Open Variation Database
Classification: Uncertain significance. Last evaluated: 2018-10-10. Review status: no assertion criteria provided. Collection method: curation. Allele origin: germline. Affected: yes.
Comment: Curators: Marc Tischkowitz, Arleen D. Auerbach. Submitter to LOVD: Yukihide Momozawa.

Literature cited by the submitters: PubMed 30287823.

NM_024675.4(PALB2):c.1234A>G (p.Thr412Ala)

Gene: PALB2 (partner and localizer of BRCA2; minus strand). Cytogenetic location: 16p12.2.
Variant type: single nucleotide variant.
Coding change: c.1234A>G on transcript NM_024675.4 (MANE Select); coding-DNA position 1234, A replaced by G.
Protein change: p.Thr412Ala; replaces threonine 412 with alanine.
Molecular consequence: missense variant.
Genome position (GRCh38, 1-based): chr16:23,635,312, T>C on the plus strand (A>G on the coding strand, the complement: PALB2 is on the minus strand). VCF-style: chr16-23635312-T-C. GRCh37 (hg19) VCF-style: chr16-23646633-T-C.
Other names: short protein forms T412A.
Identifiers: ClinVar variation 830129 (VCV000830129.1), dbSNP rs1966982918, ClinGen allele CA395132989.